The following is an entry in ClinVar:

ClinVar aggregate classification (germline): Uncertain significance. Review status: criteria provided, multiple submitters, no conflicts (2 of 4 stars). 13 submissions from 13 submitters: Uncertain significance (12). 1 of the submissions does not count toward it. Last evaluated 2026-02-01.

Conditions:
ATM-related disorder. Also called: ATM-related disorders; ATM-related condition.
ATM-related cancer predisposition. Also called: ATM-related cancer susceptibility. Identifiers: MedGen CN377759, MONDO:0700270.
Hereditary cancer-predisposing syndrome. Also called: Hereditary Cancer Syndrome; Tumor predisposition; Neoplastic Syndromes, Hereditary; Hereditary neoplastic syndrome. Identifiers: Orphanet 140162, MedGen C0027672, MeSH D009386, MONDO:0015356.
Ataxia-telangiectasia syndrome (AT). Also called: ATAXIA-TELANGIECTASIA, COMPLEMENTATION GROUP A; ATAXIA-TELANGIECTASIA, FRESNO VARIANT; Ataxia-telangiectasia; Ataxia-telangiectasia, complementation group E; Cerebello-oculocutaneous telangiectasia; Immunodeficiency with ataxia telangiectasia. Identifiers: Orphanet 100, MedGen C0004135, MONDO:0008840, OMIM 208900.
Familial cancer of breast. Also called: hereditary breast carcinoma; BREAST CANCER, FAMILIAL; Hereditary breast cancer. Identifiers: Orphanet 227535, MedGen C0346153, MONDO:0016419, OMIM 114480. Disease mechanism: loss of function.

Allele frequency attached by ClinVar (database versions not stated): gnomAD exomes 0.00002; TOPMed 0.00002; gnomAD 0.00001; ExAC 0.00004.
gnomAD v4.1: 20 of 1,613,684 alleles (0.0012%); highest among the groups gnomAD compares: Middle Eastern, 0.016%; no homozygotes.

Submissions (13):

CeGaT Center for Human Genetics Tuebingen
Classification: Uncertain significance. Last evaluated: 2026-02-01. Review status: criteria provided, single submitter. Criteria: CeGaT Center For Human Genetics Tuebingen Variant Classification Criteria Version 2. Collection method: clinical testing. Allele origin: germline. Affected: yes. Observed: 1 variant allele.

Labcorp Genetics (formerly Invitae), Labcorp
Classification: Uncertain significance for Ataxia-telangiectasia syndrome. Last evaluated: 2025-12-27. Review status: criteria provided, single submitter. Criteria: Invitae Variant Classification Sherloc (09022015). Collection method: clinical testing. Allele origin: germline.
Comment: This sequence change replaces threonine, which is neutral and polar, with methionine, which is neutral and non-polar, at codon 2743 of the ATM protein (p.Thr2743Met). This variant is present in population databases (rs730881321, gnomAD 0.005%). This missense change has been observed in individual(s) with breast cancer or clinical features of Lynch syndrome (PMID: 25980754, 29522266, 34250389, 39148954). ClinVar contains an entry for this variant (Variation ID: 181894). Invitae Evidence Modeling of protein sequence and biophysical properties (such as structural, functional, and spatial information, amino acid conservation, physicochemical variation, residue mobility, and thermodynamic stability) has been performed for this missense variant. However, the output from this modeling did not meet the statistical confidence thresholds required to predict the impact of this variant on ATM protein function. In summary, the available evidence is currently insufficient to determine the role of this variant in disease. Therefore, it has been classified as a Variant of Uncertain Significance.

Quest Diagnostics Nichols Institute San Juan Capistrano
Classification: Uncertain significance. Last evaluated: 2025-10-14. Review status: criteria provided, single submitter. Criteria: Quest Diagnostics criteria. Collection method: clinical testing. Allele origin: unknown.

PreventionGenetics, part of Exact Sciences
Classification: Uncertain significance for ATM-related condition. Last evaluated: 2025-09-04. Review status: criteria provided, single submitter. Criteria: ACMG Guidelines, 2015. Collection method: clinical testing. Allele origin: germline.
Comment: The ATM c.8228C>T variant is predicted to result in the amino acid substitution p.Thr2743Met. This variant has been reported in individuals with suspected Lynch syndrome (Table S2, Yurgelun et al. 2015. PubMed ID: 25980754), breast and/or ovarian cancer (Table S2, Hauke et al. 2018. PubMed ID: 29522266; Kadri et al. 2020. PubMed ID: 33552952), and primary cutaneous melanomas (Ticha et al. 2019. PubMed ID: 31745173). This variant is reported in 0.0050% of alleles in individuals of East Asian descent in gnomAD and is interpreted as a variant of uncertain significance in ClinVar (Variation ID: 181894). At this time, the clinical significance of this variant is uncertain due to the absence of conclusive functional and genetic evidence.

GeneDx
Classification: Uncertain significance. Last evaluated: 2025-07-15. Review status: criteria provided, single submitter. Criteria: GeneDx Variant Classification Process June 2021. Collection method: clinical testing. Allele origin: germline. Affected: yes.
Comment: Not observed at significant frequency in large population cohorts (gnomAD); In silico analysis suggests that this missense variant does not alter protein structure/function; This variant is associated with the following publications: (PMID: 25980754, 31745173, 29522266, 33552952, 34250389, 35585550, 23532176, 39148954)

Ambry Genetics
Classification: Uncertain significance for Hereditary cancer-predisposing syndrome. Last evaluated: 2025-04-03. Review status: criteria provided, single submitter. Criteria: Ambry Variant Classification Scheme 2023. Collection method: clinical testing. Allele origin: germline.
Comment: The p.T2743M variant (also known as c.8228C>T), located in coding exon 55 of the ATM gene, results from a C to T substitution at nucleotide position 8228. The threonine at codon 2743 is replaced by methionine, an amino acid with similar properties. This alteration has been identified in multiple individuals diagnosed with breast cancer (Hauke J et al. Cancer Med. 2018 04;7:1349-1358; Modlin LA et al. JCO Precis Oncol, 2021 Jan;5:). This amino acid position is well conserved in available vertebrate species. In addition, the in silico prediction for this alteration is inconclusive. Since supporting evidence is limited at this time, the clinical significance of this alteration remains unclear.

Department of Pathology and Laboratory Medicine, Sinai Health System
Classification: Uncertain significance for ATM-related cancer predisposition. Last evaluated: 2024-10-16. Review status: criteria provided, single submitter. Criteria: ACMG Guidelines, 2015. Collection method: clinical testing. Allele origin: germline.

Color Diagnostics, LLC DBA Color Health
Classification: Uncertain significance for Hereditary cancer-predisposing syndrome. Last evaluated: 2024-06-24. Review status: criteria provided, single submitter. Criteria: ACMG Guidelines, 2015. Collection method: clinical testing. Allele origin: germline.
Comment: This missense variant replaces threonine with methionine at codon 2743 of the ATM protein. Computational prediction suggests that this variant may not impact protein structure and function. To our knowledge, functional studies have not been performed for this variant. This variant has been reported in individuals affected with breast and/or ovarian cancer (PMID: 29522266, 33552952, 34250389), Lynch syndrome-associated cancer and/or polyps (PMID: 25980754), glioblastoma (PMID: 26689913), and melanoma (PMID: 31745173). This variant has also been identified in 5/282404 chromosomes in the general population by the Genome Aggregation Database (gnomAD). The available evidence is insufficient to determine the role of this variant in disease conclusively. Therefore, this variant is classified as a Variant of Uncertain Significance.

Baylor Genetics
Classification: Uncertain significance for Familial cancer of breast. Last evaluated: 2023-10-17. Review status: criteria provided, single submitter. Criteria: ACMG Guidelines, 2015. Collection method: clinical testing. Allele origin: unknown.

Blueprint Genetics
Classification: Uncertain significance. Last evaluated: 2020-06-17. Review status: criteria provided, single submitter. Criteria: ACMG Guidelines, 2015. Collection method: clinical testing. Allele origin: germline.

Mendelics
Classification: Uncertain significance for Ataxia-telangiectasia syndrome. Last evaluated: 2018-07-02. Review status: criteria provided, single submitter. Criteria: Mendelics Assertion Criteria 2017. Collection method: clinical testing. Allele origin: unknown.

Center for Pediatric Genomic Medicine, Children's Mercy Hospital and Clinics
Classification: Uncertain significance. Last evaluated: 2016-08-04. Review status: criteria provided, single submitter. Criteria: ACMG Guidelines, 2015. Collection method: clinical testing. Allele origin: germline.
ClinVar note: Converted during submission from Uncertain Significance to Uncertain significance.

Natera, Inc.
Classification: Uncertain significance for Ataxia-telangiectasia. Last evaluated: 2020-09-16. Review status: no assertion criteria provided. Collection method: clinical testing. Allele origin: germline. Not counted in ClinVar's aggregate classification.

Literature cited by the submitters: PubMed 25980754 (cited by 3 submitters); PubMed 29522266 (cited by 4 submitters); PubMed 34250389 (cited by 4 submitters); PubMed 39148954 (cited by Labcorp Genetics (formerly Invitae), Labcorp); PubMed 33471991 (cited by Department of Pathology and Laboratory Medicine, Sinai Health System); PubMed 26689913 (cited by Color Diagnostics, LLC DBA Color Health); PubMed 31745173 (cited by Color Diagnostics, LLC DBA Color Health); PubMed 33552952 (cited by Color Diagnostics, LLC DBA Color Health).

NM_000051.4(ATM):c.8228C>T (p.Thr2743Met)

Genes: ATM (ATM serine/threonine kinase; plus strand), C11orf65 (chromosome 11 open reading frame 65; minus strand). Cytogenetic location: 11q22.3.
Variant type: single nucleotide variant.
Coding change: c.8228C>T on transcript NM_000051.4 (MANE Select); coding-DNA position 8228, C replaced by T.
Protein change: p.Thr2743Met; replaces threonine 2743 with methionine.
Molecular consequence: missense variant. On other transcripts: intron variant (2).
Genome position (GRCh38, 1-based): chr11:108,335,921, C>T. VCF-style: chr11-108335921-C-T. GRCh37 (hg19) VCF-style: chr11-108206648-C-T.
Other names: p.T2743M:ACG>ATG; c.8228C>T, p.Thr2743Met (NM_001351834.2); c.641-26850G>A (NM_001330368.2); c.695-629G>A (NM_001351110.2); short protein forms T2743M.
Identifiers: ClinVar variation 181894 (VCV000181894.73), dbSNP rs730881321, ClinGen allele CA298068.